The following is an entry in ClinVar:

NM_001286.5(CLCN6):c.1722C>T (p.Gly574=)

Gene: CLCN6 (chloride voltage-gated channel 6; plus strand). Cytogenetic location: 1p36.22.
Variant type: single nucleotide variant.
Coding change: c.1722C>T on transcript NM_001286.5 (MANE Select); coding-DNA position 1722, C replaced by T.
Protein change: p.Gly574=; no amino-acid change (glycine 574 retained).
Molecular consequence: synonymous variant. On other transcripts: non-coding transcript variant (1).
Genome position (GRCh38, 1-based): chr1:11,834,519, C>T. VCF-style: chr1-11834519-C-T. GRCh37 (hg19) VCF-style: chr1-11894576-C-T.
Other names: c.1722C>T (NM_001286.3); c.1656C>T, p.Gly552= (NM_001256959.2).
Identifiers: ClinVar variation 1521598 (VCV001521598.8), dbSNP rs991608250, ClinGen allele CA18003000.

ClinVar aggregate classification (germline): Likely benign. Review status: criteria provided, single submitter (1 of 4 stars). 2 submissions from 2 submitters: Likely benign (1). 1 of the submissions does not count toward it. Last evaluated 2024-10-23.

Conditions:
CLCN6-related disorder. Also called: CLCN6-related condition.

Allele frequency attached by ClinVar (database versions not stated): gnomAD exomes below 0.00001 and 0.00001; TOPMed 0.00002; gnomAD 0.00003 and 0.00004.
gnomAD v4.1: 9 of 1,613,998 alleles (0.00056%); highest among the groups gnomAD compares: Admixed American, 0.012%; no homozygotes.

Submissions (2):

Labcorp Genetics (formerly Invitae), Labcorp
Classification: Likely benign. Last evaluated: 2024-10-23. Review status: criteria provided, single submitter. Criteria: Invitae Variant Classification Sherloc (09022015). Collection method: clinical testing. Allele origin: germline.

PreventionGenetics, part of Exact Sciences
Classification: Likely benign for CLCN6-related condition. Last evaluated: 2024-02-12. Review status: no assertion criteria provided. Collection method: clinical testing. Allele origin: germline. Not counted in ClinVar's aggregate classification.
Comment: This variant is classified as likely benign based on ACMG/AMP sequence variant interpretation guidelines (Richards et al. 2015 PMID: 25741868, with internal and published modifications).